The following continues an entry in ClinVar:

NM_001048174.2(MUTYH):c.928C>T (p.Gln310Ter)

Gene: MUTYH. ClinVar aggregate classification (germline): Pathogenic. Pathogenic (13).

Submissions 10 to 14 of 14:

GeneDx
Classification: Pathogenic. Last evaluated: 2022-10-27. Review status: criteria provided, single submitter. Criteria: GeneDx Variant Classification Process June 2021. Collection method: clinical testing. Allele origin: germline. Affected: yes.
Comment: Nonsense variant predicted to result in protein truncation or nonsense mediated decay in a gene for which loss-of-function is a known mechanism of disease; Observed with a pathogenic variant on the opposite allele (in trans) in individuals with colorectal cancer and/or polyps the published literature (Sampson et al., 2003; Aretz et al., 2006; Bouguen et al., 2007; Cattaneo et al., 2008; Vogt et al., 2009; Ricci et al., 2017); Published functional studies demonstrate a damaging effect: severely defective DNA glycosylase activity (Goto et al., 2010); Also known as c.970C>T p.(Gln324Ter) and c.928C>T p.(Gln310Ter); This variant is associated with the following publications: (PMID: 12853198, 25525159, 19032956, 31589614, 16557584, 17674103, 18091433, 19732775, 27829682, 26556299, 31203172, 20848659)

CeGaT Center for Human Genetics Tuebingen
Classification: Pathogenic. Last evaluated: 2021-01-01. Review status: criteria provided, single submitter. Criteria: CeGaT Center For Human Genetics Tuebingen Variant Classification Criteria Version 2. Collection method: clinical testing. Allele origin: germline. Affected: yes. Observed: 1 variant allele.

Women's Health and Genetics/Laboratory Corporation of America, LabCorp
Classification: Pathogenic for MUTYH-associated polyposis. Last evaluated: 2019-07-10. Review status: criteria provided, single submitter. Criteria: LabCorp Variant Classification Summary - May 2015. Collection method: clinical testing. Allele origin: germline.
Comment: Variant summary: MUTYH c.1012C>T (p.Gln338X) results in a premature termination codon, predicted to cause a truncation of the encoded protein or absence of the protein due to nonsense mediated decay, which are commonly known mechanisms for disease. Truncations downstream of this position have been classified as pathogenic by our laboratory. The variant allele was found at a frequency of 8.2e-05 in 232530 control chromosomes (gnomAD). This frequency is not significantly higher than expected for a pathogenic variant in MUTYH causing MUTYH-associated Polyposis (8.2e-05 vs 0.0046), allowing no conclusion about variant significance. c.1012C>T has been reported in the literature in multiple individuals affected with MUTYH-associated Polyposis (Sampson_2003, Vogt_2009, Ricci_2017). These data indicate that the variant is very likely to be associated with disease. A functional study, GOTO_2010 reports the variant severely impairs adenine DNA glycosylase activity. Six ClinVar submissions (evaluation after 2014) cite the variant as pathogenic. Based on the evidence outlined above, the variant was classified as pathogenic.

CSER _CC_NCGL, University of Washington
Classification: Pathogenic for MUTYH associated polyposis. Last evaluated: 2016-10-01. Review status: criteria provided, single submitter. Criteria: Amendola et al. (Genome Res. 2015). Collection method: research. Allele origin: germline. Affected: yes. Study: CSER - NEXT Medicine variant annotation.
Comment: This interpretation considers GERP score and allele frequency data, in addition to published reports of the variant in the literature, available at the time of review.

Department of Pathology and Laboratory Medicine, Sinai Health System
Classification: Pathogenic. Review status: no assertion criteria provided. Collection method: clinical testing. Allele origin: unknown. Affected: yes. Observed: 1 variant allele. Study: The Canadian Open Genetics Repository (COGR). Not counted in ClinVar's aggregate classification.

Literature cited by the submitters: PubMed 18534194 (cited by Labcorp Genetics (formerly Invitae), Labcorp); PubMed 20663686 (cited by Labcorp Genetics (formerly Invitae), Labcorp); PubMed 2084865 (cited by Labcorp Genetics (formerly Invitae), Labcorp); PubMed 12853198 (cited by 6 submitters); PubMed 16557584 (cited by 5 submitters); PubMed 19732775 (cited by 6 submitters); PubMed 24470512 (cited by 6 submitters); PubMed 17674103 (cited by 4 submitters); PubMed 17949294 (cited by 3 submitters); PubMed 19032956 (cited by 3 submitters); PubMed 19394335 (cited by 4 submitters); PubMed 20848659 (cited by 5 submitters); PubMed 26556299 (cited by 4 submitters); PubMed 27829682 (cited by 6 submitters); PubMed 34704405 (cited by Color Diagnostics, LLC DBA Color Health and Quest Diagnostics Nichols Institute San Juan Capistrano); PubMed 22976915 (cited by Hema, HEMA – Genetic and Molecular Diagnostic Laboratory); PubMed 33471991 (cited by Quest Diagnostics Nichols Institute San Juan Capistrano).